The following is an entry in ClinVar:

NM_000455.5(STK11):c.175T>C (p.Ser59Pro)

Gene: STK11 (serine/threonine kinase 11; plus strand). Cytogenetic location: 19p13.3.
Variant type: single nucleotide variant.
Coding change: c.175T>C on transcript NM_000455.5 (MANE Select); coding-DNA position 175, T replaced by C.
Protein change: p.Ser59Pro; replaces serine 59 with proline.
Molecular consequence: missense variant.
Genome position (GRCh38, 1-based): chr19:1,207,088, T>C. VCF-style: chr19-1207088-T-C. GRCh37 (hg19) VCF-style: chr19-1207087-T-C.
Other names: short protein forms S59P.
Identifiers: ClinVar variation 967811 (VCV000967811.9), dbSNP rs2080672150, ClinGen allele CA402944174.

ClinVar aggregate classification (germline): Uncertain significance (1 of 4 stars; one submission).

Conditions:
Peutz-Jeghers syndrome (PJS). Also called: POLYPOSIS, HAMARTOMATOUS INTESTINAL; POLYPS-AND-SPOTS SYNDROME; Peutz-Jeghers polyposis; Periorificial lentiginosis syndrome. Identifiers: Orphanet 2869, MedGen C0031269, MeSH D010580, MONDO:0008280, OMIM 175200.

Submission:

Labcorp Genetics (formerly Invitae), Labcorp
Classification: Uncertain significance for Peutz-Jeghers syndrome. Last evaluated: 2019-11-06. Review status: criteria provided, single submitter. Criteria: Invitae Variant Classification Sherloc (09022015). Collection method: clinical testing. Allele origin: germline.
Comment: This sequence change replaces serine with proline at codon 59 of the STK11 protein (p.Ser59Pro). The serine residue is highly conserved and there is a moderate physicochemical difference between serine and proline. This variant is not present in population databases (ExAC no frequency). In summary, the available evidence is currently insufficient to determine the role of this variant in disease. Therefore, it has been classified as a Variant of Uncertain Significance. Algorithms developed to predict the effect of missense changes on protein structure and function (SIFT, PolyPhen-2, Align-GVGD) all suggest that this variant is likely to be disruptive, but these predictions have not been confirmed by published functional studies and their clinical significance is uncertain. This variant has not been reported in the literature in individuals with STK11-related conditions.